The following is an entry in ClinVar:

ClinVar aggregate classification (germline): Uncertain significance. Review status: criteria provided, multiple submitters, no conflicts (2 of 4 stars). 3 submissions from 3 submitters: Uncertain significance (3). Last evaluated 2025-10-06.

Conditions:
Rubinstein-Taybi syndrome (RSTS). Identifiers: Orphanet 783, MedGen C0035934, MONDO:0019188.
Inborn genetic diseases. Identifiers: MedGen C0950123, MeSH D030342.
CREBBP-related disorder. Also called: CREBBP-related condition; CREBBP-related disorders.

Allele frequency attached by ClinVar (database versions not stated): gnomAD exomes 0.00001.
gnomAD v4.1: 18 of 1,614,152 alleles (0.0011%); highest among the groups gnomAD compares: Non-Finnish European, 0.0015%; no homozygotes.

Submissions (3):

PreventionGenetics, part of Exact Sciences
Classification: Uncertain significance for CREBBP-related condition. Last evaluated: 2025-10-06. Review status: criteria provided, single submitter. Criteria: ACMG Guidelines, 2015. Collection method: clinical testing. Allele origin: germline.
Comment: The CREBBP c.4061C>T variant is predicted to result in the amino acid substitution p.Ala1354Val. To our knowledge, this variant has not been reported in the literature. This variant is reported in 0.00088% of alleles in individuals of European (Non-Finnish) descent in gnomAD. At this time, the clinical significance of this variant is uncertain due to the absence of conclusive functional and genetic evidence.

Labcorp Genetics (formerly Invitae), Labcorp
Classification: Uncertain significance for Rubinstein-Taybi syndrome. Last evaluated: 2025-08-11. Review status: criteria provided, single submitter. Criteria: Invitae Variant Classification Sherloc (09022015). Collection method: clinical testing. Allele origin: germline.
Comment: This sequence change replaces alanine, which is neutral and non-polar, with valine, which is neutral and non-polar, at codon 1354 of the CREBBP protein (p.Ala1354Val). This variant is present in population databases (no rsID available, gnomAD 0.0009%). This variant has not been reported in the literature in individuals affected with CREBBP-related conditions. ClinVar contains an entry for this variant (Variation ID: 2217592). Invitae Evidence Modeling of protein sequence and biophysical properties (such as structural, functional, and spatial information, amino acid conservation, physicochemical variation, residue mobility, and thermodynamic stability) indicates that this missense variant is expected to disrupt CREBBP protein function with a positive predictive value of 80%. In summary, the available evidence is currently insufficient to determine the role of this variant in disease. Therefore, it has been classified as a Variant of Uncertain Significance.

Ambry Genetics
Classification: Uncertain significance for Inborn genetic diseases. Last evaluated: 2021-02-13. Review status: criteria provided, single submitter. Criteria: Ambry Variant Classification Scheme 2023. Collection method: clinical testing. Allele origin: germline.

NM_004380.3(CREBBP):c.4061C>T (p.Ala1354Val)

Gene: CREBBP (CREB binding lysine acetyltransferase; minus strand). Cytogenetic location: 16p13.3.
Variant type: single nucleotide variant.
Coding change: c.4061C>T on transcript NM_004380.3 (MANE Select); coding-DNA position 4061, C replaced by T.
Protein change: p.Ala1354Val; replaces alanine 1354 with valine.
Molecular consequence: missense variant.
Genome position (GRCh38, 1-based): chr16:3,740,471, G>A on the plus strand (C>T on the coding strand, the complement: CREBBP is on the minus strand). VCF-style: chr16-3740471-G-A. GRCh37 (hg19) VCF-style: chr16-3790472-G-A.
Other names: c.3947C>T, p.Ala1316Val (NM_001079846.1); short protein forms A1316V, A1354V.
Identifiers: ClinVar variation 2217592 (VCV002217592.4), dbSNP rs1486317585, ClinGen allele CA394565347.